The following is an entry in ClinVar:

NM_032383.5(HPS3):c.448G>T (p.Val150Phe)

Gene: HPS3 (HPS3 biogenesis of lysosomal organelles complex 2 subunit 1; plus strand). Cytogenetic location: 3q24.
Variant type: single nucleotide variant.
Coding change: c.448G>T on transcript NM_032383.5 (MANE Select); coding-DNA position 448, G replaced by T.
Protein change: p.Val150Phe; replaces valine 150 with phenylalanine.
Molecular consequence: missense variant. On other transcripts: intron variant (1).
Genome position (GRCh38, 1-based): chr3:149,140,234, G>T. VCF-style: chr3-149140234-G-T. GRCh37 (hg19) VCF-style: chr3-148858021-G-T.
Other names: c.218-783G>T (NM_001308258.2); c.448G>T (NM_032383.3); short protein forms V150F.
Identifiers: ClinVar variation 3350814 (VCV003350814.4).
Genomic context (GRCh38, chr3:149,140,234, plus strand): 5'-ATGCCGCTTTCGGAGGCCCCCTTGTGCATTTCCTGTTGCCCTGTGAAAGGAGACCTTCTC[G>T]TTGGCTGCACAAATAAATTAGTCTTATTTAGTTTGAAGTACCAGATCATTAATGAGGAAT-3'
Protein context (NP_115759.2, residues 140-160): SCCPVKGDLL[Val150Phe]GCTNKLVLFS

ClinVar aggregate classification (germline): Uncertain significance. Review status: criteria provided, multiple submitters, no conflicts (2 of 4 stars). 3 submissions from 3 submitters: Uncertain significance (2). 1 of the submissions does not count toward it. Last evaluated 2025-07-06.

Conditions:
HPS3-related disorder. Also called: HPS3-related condition.
Inborn genetic diseases. Identifiers: MedGen C0950123, MeSH D030342.

gnomAD v4.1: 8 of 1,614,038 alleles (0.0005%); highest among the groups gnomAD compares: Admixed American, 0.013%; no homozygotes.

Submissions (3):

Labcorp Genetics (formerly Invitae), Labcorp
Classification: Uncertain significance. Last evaluated: 2025-07-06. Review status: criteria provided, single submitter. Criteria: Invitae Variant Classification Sherloc (09022015). Collection method: clinical testing. Allele origin: germline.
Comment: This sequence change replaces valine, which is neutral and non-polar, with phenylalanine, which is neutral and non-polar, at codon 150 of the HPS3 protein (p.Val150Phe). This variant is present in population databases (rs146744768, gnomAD 0.02%). This variant has not been reported in the literature in individuals affected with HPS3-related conditions. ClinVar contains an entry for this variant (Variation ID: 3350814). Invitae Evidence Modeling of protein sequence and biophysical properties (such as structural, functional, and spatial information, amino acid conservation, physicochemical variation, residue mobility, and thermodynamic stability) indicates that this missense variant is expected to disrupt HPS3 protein function with a positive predictive value of 80%. In summary, the available evidence is currently insufficient to determine the role of this variant in disease. Therefore, it has been classified as a Variant of Uncertain Significance.

Ambry Genetics
Classification: Uncertain significance for Inborn genetic diseases. Last evaluated: 2024-08-15. Review status: criteria provided, single submitter. Criteria: Ambry Variant Classification Scheme 2023. Collection method: clinical testing. Allele origin: germline.

PreventionGenetics, part of Exact Sciences
Classification: Uncertain significance for HPS3-related condition. Last evaluated: 2024-09-08. Review status: no assertion criteria provided. Collection method: clinical testing. Allele origin: germline. Not counted in ClinVar's aggregate classification.
Comment: The HPS3 c.448G>T variant is predicted to result in the amino acid substitution p.Val150Phe. To our knowledge, this variant has not been reported in the literature. A variant at the same amino acid position (c.449T>A, p.Val150Asp) has been reported in an individual with from an albinism cohort (Supplementary Table 1; Wei et al. 2022. PubMed ID: 34838614). This variant is reported in 0.020% of alleles in individuals of Latino descent in gnomAD. At this time, the clinical significance of this variant is uncertain due to the absence of conclusive functional and genetic evidence.